The following is an entry in ClinVar:

NM_005591.4(MRE11):c.1447C>A (p.Arg483=)

Gene: MRE11 (MRE11 double strand break repair nuclease; minus strand). Cytogenetic location: 11q21.
Variant type: single nucleotide variant.
Coding change: c.1447C>A on transcript NM_005591.4 (MANE Select); coding-DNA position 1447, C replaced by A.
Protein change: p.Arg483=; no amino-acid change (arginine 483 retained).
Molecular consequence: synonymous variant.
Genome position (GRCh38, 1-based): chr11:94,459,461, G>T on the plus strand (C>A on the coding strand, the complement: MRE11 is on the minus strand). VCF-style: chr11-94459461-G-T. GRCh37 (hg19) VCF-style: chr11-94192627-G-T.
Other names: c.1447C>A, p.Arg483= (NM_001330347.2, NM_005590.4).
Identifiers: ClinVar variation 2832477 (VCV002832477.24), dbSNP rs780001540, ClinGen allele CA476281863.
Genomic context (GRCh38, chr11:94,459,461, plus strand): 5'-TACTTACCTCCTCATCGATTTTGTCTTCGAGGGCATCAATATGACGTTCTTTAAGAAATC[G>T]CTGTGTTTTTTCCAACTGGTATTTCACTAATTCCTCAATGGCATCTTTCTCCTCCTTGTC-3'
Protein context (NP_005582.1, residues 473-493): LVKYQLEKTQ[Arg483=]FLKERHIDAL

ClinVar aggregate classification (germline): Likely benign. Review status: criteria provided, multiple submitters, no conflicts (2 of 4 stars). 2 submissions from 2 submitters: Likely benign (2). Last evaluated 2025-04-01.

Conditions:
Ataxia-telangiectasia-like disorder (ATLD). Identifiers: MedGen C1858391, MONDO:0011457.

Submissions (2):

CeGaT Center for Human Genetics Tuebingen
Classification: Likely benign. Last evaluated: 2025-04-01. Review status: criteria provided, single submitter. Criteria: CeGaT Center For Human Genetics Tuebingen Variant Classification Criteria Version 2. Collection method: clinical testing. Allele origin: germline. Affected: yes. Observed: 2 variant alleles.
Comment: MRE11: PM2:Supporting, BP4, BP7

Labcorp Genetics (formerly Invitae), Labcorp
Classification: Likely benign for Ataxia-telangiectasia-like disorder. Last evaluated: 2023-01-28. Review status: criteria provided, single submitter. Criteria: Invitae Variant Classification Sherloc (09022015). Collection method: clinical testing. Allele origin: germline.